The following is an entry in ClinVar:

ClinVar aggregate classification (germline): Uncertain significance (1 of 4 stars; one submission).

Conditions:
Autism spectrum disorder due to AUTS2 deficiency (MRD26). Also called: INTELLECTUAL DEVELOPMENTAL DISORDER, AUTOSOMAL DOMINANT 26. Identifiers: Orphanet 352490, MedGen C4014435, MONDO:0014361, OMIM 615834.

Submission:

Geisinger Autism and Developmental Medicine Institute, Geisinger Health System
Classification: Uncertain significance for Autism spectrum disorder due to AUTS2 deficiency. Last evaluated: 2018-04-03. Review status: criteria provided, single submitter. Criteria: ACMG CNV Guidelines, 2011. Collection method: provider interpretation. Allele origin: maternal.

Literature cited by the submitters: PubMed 23332918.

Single allele

Variant type: Deletion.
Identifiers: ClinVar variation 559457 (VCV000559457.3).